The following is an entry in ClinVar:

ClinVar aggregate classification (germline): Likely benign. Review status: criteria provided, multiple submitters, no conflicts (2 of 4 stars). 4 submissions from 4 submitters: Likely benign (4). Last evaluated 2024-10-18.

Allele frequency attached by ClinVar (database versions not stated): 1000 Genomes Project 30x 0.00031; gnomAD exomes 0.00031 and 0.00066; ESP Exome Variant Server 0.00039; 1000 Genomes Project 0.00040; ExAC 0.00041; gnomAD 0.00046; TOPMed 0.00069.

Submissions (4):

Blueprint Genetics
Classification: Likely benign. Last evaluated: 2024-10-18. Review status: criteria provided, single submitter. Criteria: ACMG Guidelines, 2015. Collection method: clinical testing. Allele origin: germline.

CeGaT Center for Human Genetics Tuebingen
Classification: Likely benign. Last evaluated: 2022-06-01. Review status: criteria provided, single submitter. Criteria: CeGaT Center For Human Genetics Tuebingen Variant Classification Criteria Version 2. Collection method: clinical testing. Allele origin: germline. Affected: yes. Observed: 1 variant allele.
Comment: PUF60: BP4, BP7

Labcorp Genetics (formerly Invitae), Labcorp
Classification: Likely benign. Last evaluated: 2019-12-31. Review status: criteria provided, single submitter. Criteria: Invitae Variant Classification Sherloc (09022015). Collection method: clinical testing. Allele origin: germline.

Breakthrough Genomics
Classification: Likely benign. Review status: criteria provided, single submitter. Criteria: ACMG Guidelines, 2015. Collection method: not provided. Allele origin: germline. Inheritance: Autosomal dominant inheritance. Affected: yes.

NM_078480.3(PUF60):c.777G>C (p.Arg259=)

Gene: PUF60 (poly(U) binding splicing factor 60; minus strand). Cytogenetic location: 8q24.3.
Variant type: single nucleotide variant.
Coding change: c.777G>C on transcript NM_078480.3 (MANE Select); coding-DNA position 777, G replaced by C.
Protein change: p.Arg259=; no amino-acid change (arginine 259 retained).
Molecular consequence: synonymous variant.
Genome position (GRCh38, 1-based): chr8:143,817,902, C>G on the plus strand (G>C on the coding strand, the complement: PUF60 is on the minus strand). VCF-style: chr8-143817902-C-G. GRCh37 (hg19) VCF-style: chr8-144900072-C-G.
Other names: c.648G>C, p.Arg216= (NM_001136033.3); c.723G>C, p.Arg241= (NM_001271096.2); c.639G>C, p.Arg213= (NM_001271097.2); c.774G>C, p.Arg258= (NM_001271098.2); c.690G>C, p.Arg230= (NM_001271099.2); c.597G>C, p.Arg199= (NM_001271100.2); c.888G>C, p.Arg296= (NM_001362895.2, NM_001362896.2); c.837G>C, p.Arg279= (NM_001362897.2); and 1 more.
Identifiers: ClinVar variation 736184 (VCV000736184.37), dbSNP rs113824352, ClinGen allele CA187616347.